The following is an entry in ClinVar:

ClinVar aggregate classification (germline): Pathogenic (1 of 4 stars; one submission).

Conditions:
Dent disease type 1 (DENT1). Also called: NEPHROLITHIASIS 2; NEPHROLITHIASIS, HYPERCALCIURIC, X-LINKED. Identifiers: Orphanet 1652, Orphanet 93622, MedGen C1848336, MONDO:0010225, OMIM 300009.

Submission:

MVZ Medizinische Genetik Mainz
Classification: Pathogenic for Dent disease type 1. Last evaluated: 2024-05-23. Review status: criteria provided, single submitter. Criteria: UK Practice Guidelines For Variant Classification V4 01 2020. Collection method: clinical testing. Allele origin: germline. Inheritance: X-linked dominant inheritance. Affected: yes. Observed: 1 variant allele.
Comment: ACMG Criteria: PVS1,PM2_SUP,PP4

NM_001127898.4(CLCN5):c.906del (p.Lys301_Tyr302insTer)

Gene: CLCN5 (Cl-/H+ antiporter 5; plus strand). Cytogenetic location: Xp11.23.
Variant type: Deletion.
Coding change: c.906del on transcript NM_001127898.4 (MANE Select); coding-DNA position 906, one base deleted (C; older notation c.906delC).
Protein change: p.Lys301_Tyr302insTer.
Molecular consequence: nonsense.
Genome position (GRCh38, 1-based): chrX:50,081,820, C deleted. VCF-style (leftmost placement, unchanged base first): chrX-50081819-AC-A. GRCh37 (hg19) VCF-style: chrX-49846476-AC-A.
Other names: c.696del, p.Lys231_Tyr232insTer (NM_000084.5); c.906del, p.Lys301_Tyr302insTer (NM_001127899.4); c.756del, p.Lys251_Tyr252insTer (NM_001282163.2).
Identifiers: ClinVar variation 3256630 (VCV003256630.1).